The following is an entry in ClinVar:

NM_138711.6(PPARG):c.1140C>A (p.Ser380Arg)

Gene: PPARG (peroxisome proliferator activated receptor gamma; plus strand). Cytogenetic location: 3p25.2.
Variant type: single nucleotide variant.
Coding change: c.1140C>A on transcript NM_138711.6 (MANE Select); coding-DNA position 1140, C replaced by A.
Protein change: p.Ser380Arg; replaces serine 380 with arginine.
Molecular consequence: missense variant. On other transcripts: intron variant (5).
Genome position (GRCh38, 1-based): chr3:12,417,114, C>A. VCF-style: chr3-12417114-C-A. GRCh37 (hg19) VCF-style: chr3-12458613-C-A.
Other names: c.1140C>A, p.Ser380Arg (NM_001354666.3, NM_001354667.3, NM_001374263.2 and 3 more transcripts); c.513C>A, p.Ser171Arg (NM_001354669.2); c.1230C>A, p.Ser410Arg (NM_015869.5); c.729+11033C>A (NM_001374261.3, NM_001374262.3, NM_001330615.4); c.653+11115C>A (NM_001374266.1); c.819+11033C>A (NM_001374265.1); c.1230C>A (NM_015869.4); short protein forms S171R, S380R, S410R.
Identifiers: ClinVar variation 2175684 (VCV002175684.6), dbSNP rs148844673, ClinGen allele CA2258325.
Genomic context (GRCh38, chr3:12,417,114, plus strand): 5'-CTTTATGGAGCCCAAGTTTGAGTTTGCTGTGAAGTTCAATGCACTGGAATTAGATGACAG[C>A]GACTTGGCAATATTTATTGCTGTCATTATTCTCAGTGGAGGTAAGATTTGTCTTTTGATC-3'
Protein context (NP_619725.3, residues 370-390): VKFNALELDD[Ser380Arg]DLAIFIAVII

ClinVar aggregate classification (germline): Uncertain significance. Review status: criteria provided, multiple submitters, no conflicts (2 of 4 stars). 3 submissions from 3 submitters: Uncertain significance (3). Last evaluated 2025-04-04.

Conditions:
Lipodystrophy. Also called: Lipodystrophy (disease). Identifiers: MedGen C0023787, MONDO:0006573, HP:0009125.
PPARG-related disorder. Also called: PPARG-related condition; PPARG-related disorders.

Allele frequency attached by ClinVar (database versions not stated): ESP Exome Variant Server 0.00008.
gnomAD v4.1: 24 of 1,613,896 alleles (0.0015%); highest among the groups gnomAD compares: Admixed American, 0.0067%; no homozygotes.

Submissions (3):

Labcorp Genetics (formerly Invitae), Labcorp
Classification: Uncertain significance. Last evaluated: 2025-04-04. Review status: criteria provided, single submitter. Criteria: Invitae Variant Classification Sherloc (09022015). Collection method: clinical testing. Allele origin: germline.
Comment: This sequence change replaces serine, which is neutral and polar, with arginine, which is basic and polar, at codon 410 of the PPARG protein (p.Ser410Arg). This variant is present in population databases (rs148844673, gnomAD 0.003%). This missense change has been observed in individual(s) with PPARG-related conditions (PMID: 36325899). This variant is also known as c.1146C>A(p.Ser382Arg). ClinVar contains an entry for this variant (Variation ID: 2175684). Invitae Evidence Modeling of protein sequence and biophysical properties (such as structural, functional, and spatial information, amino acid conservation, physicochemical variation, residue mobility, and thermodynamic stability) has been performed for this missense variant. However, the output from this modeling did not meet the statistical confidence thresholds required to predict the impact of this variant on PPARG protein function. Experimental studies have shown that this missense change does not substantially affect PPARG function (PMID: 25157153). In summary, the available evidence is currently insufficient to determine the role of this variant in disease. Therefore, it has been classified as a Variant of Uncertain Significance.

PreventionGenetics, part of Exact Sciences
Classification: Uncertain significance for PPARG-related condition. Last evaluated: 2025-02-18. Review status: criteria provided, single submitter. Criteria: ACMG Guidelines, 2015. Collection method: clinical testing. Allele origin: germline.
Comment: The PPARG c.1230C>A variant is predicted to result in the amino acid substitution p.Ser410Arg. This variant, and a different missense change at the same codon (p.Ser410Gly) have been reported in a cohort of patients with dyslipidemia (reported as p.Ser382Arg, p.Ser382Gly in Table S2, Deshotels et al. 2022. PubMed ID: 36325899). This variant is reported in 0.0031% of alleles in individuals of European (Non-Finnish) descent in gnomAD. At this time, the clinical significance of this variant is uncertain due to the absence of conclusive functional and genetic evidence.

Department of Pathology and Laboratory Medicine, Sinai Health System
Classification: Uncertain significance for lipodystrophy. Last evaluated: 2021-07-30. Review status: criteria provided, single submitter. Criteria: ACMG Guidelines, 2015. Collection method: research. Allele origin: germline.

Literature cited by the submitters: PubMed 36325899 (cited by Labcorp Genetics (formerly Invitae), Labcorp); PubMed 25157153 (cited by Labcorp Genetics (formerly Invitae), Labcorp).